The following is an entry in ClinVar:

NM_001939.3(DRP2):c.2473G>A (p.Glu825Lys)

Gene: DRP2 (dystrophin related protein 2; plus strand). Cytogenetic location: Xq22.1.
Variant type: single nucleotide variant.
Coding change: c.2473G>A on transcript NM_001939.3 (MANE Select); coding-DNA position 2473, G replaced by A.
Protein change: p.Glu825Lys; replaces glutamic acid 825 with lysine.
Molecular consequence: missense variant.
Genome position (GRCh38, 1-based): chrX:101,258,391, G>A. VCF-style: chrX-101258391-G-A. GRCh37 (hg19) VCF-style: chrX-100513380-G-A.
Other names: c.2239G>A, p.Glu747Lys (NM_001171184.2); short protein forms E747K, E825K.
Identifiers: ClinVar variation 1375519 (VCV001375519.8), dbSNP rs373399175, ClinGen allele CA10472476.

ClinVar aggregate classification (germline): Uncertain significance (1 of 4 stars; one submission).

Allele frequency attached by ClinVar (database versions not stated): TOPMed 0.00003; gnomAD exomes 0.00006 and 0.00004; ExAC 0.00007; gnomAD 0.00007 and 0.00005; ESP Exome Variant Server 0.00009.
gnomAD v4.1: 74 of 1,204,337 alleles (0.0061%); highest among the groups gnomAD compares: Non-Finnish European, 0.0081%; no homozygotes.

Submission:

Labcorp Genetics (formerly Invitae), Labcorp
Classification: Uncertain significance. Last evaluated: 2025-11-05. Review status: criteria provided, single submitter. Criteria: Invitae Variant Classification Sherloc (09022015). Collection method: clinical testing. Allele origin: germline.
Comment: This sequence change replaces glutamic acid, which is acidic and polar, with lysine, which is basic and polar, at codon 825 of the DRP2 protein (p.Glu825Lys). This variant is present in population databases (rs373399175, gnomAD 0.008%). This variant has not been reported in the literature in individuals affected with DRP2-related conditions. ClinVar contains an entry for this variant (Variation ID: 1375519). An algorithm developed to predict the effect of missense changes on protein structure and function (PolyPhen-2) suggests that this variant is likely to be tolerated. In summary, the available evidence is currently insufficient to determine the role of this variant in disease. Therefore, it has been classified as a Variant of Uncertain Significance.